The following is an entry in ClinVar:

ClinVar aggregate classification (germline): Likely benign. Review status: criteria provided, multiple submitters, no conflicts (2 of 4 stars). 2 submissions from 2 submitters: Likely benign (2). Last evaluated 2023-11-20.

Conditions:
Ehlers-Danlos syndrome, type 4 (EDSVASC). Also called: Ehlers-Danlos Syndrome Type IV; Ehlers-Danlos syndrome vascular type; Ehlers Danlos syndrome, ecchymotic type; Ehlers Danlos syndrome, arterial type; Ehlers Danlos syndrome, Sack-Barabas type. Identifiers: Orphanet 286, MedGen C0268338, MONDO:0017314, OMIM 130050.

Allele frequency attached by ClinVar (database versions not stated): gnomAD exomes below 0.00001; TOPMed 0.00001.

Submissions (2):

All of Us Research Program, National Institutes of Health
Classification: Likely benign for Ehlers-Danlos syndrome, type 4. Last evaluated: 2023-11-20. Review status: criteria provided, single submitter. Criteria: ACMG Guidelines, 2015. Collection method: clinical testing. Allele origin: germline. Inheritance: Autosomal dominant inheritance. Observed: 1 variant allele, 1 heterozygote.
Comment: This study involves interpretation of variants in research participants for the purpose of population health screening. Participant phenotype was not available at the time of variant classification. Additional details can be found in publication PMID: 35346344, PMCID: PMC8962531

Labcorp Genetics (formerly Invitae), Labcorp
Classification: Likely benign for Ehlers-Danlos syndrome, type 4. Last evaluated: 2023-09-09. Review status: criteria provided, single submitter. Criteria: Invitae Variant Classification Sherloc (09022015). Collection method: clinical testing. Allele origin: germline.

NM_000090.4(COL3A1):c.3094-8G>A

Gene: COL3A1 (collagen type III alpha 1 chain; plus strand). Cytogenetic location: 2q32.2.
Variant type: single nucleotide variant.
Coding change: c.3094-8G>A on transcript NM_000090.4 (MANE Select); 8 bases into the intron before coding-DNA position 3094, G replaced by A.
Molecular consequence: intron variant.
Genome position (GRCh38, 1-based): chr2:189,006,337, G>A. VCF-style: chr2-189006337-G-A. GRCh37 (hg19) VCF-style: chr2-189871063-G-A.
Identifiers: ClinVar variation 2733435 (VCV002733435.4), dbSNP rs969181731, ClinGen allele CA62559273.